The following is an entry in ClinVar:

NM_014709.4(USP34):c.4833-1G>C

Gene: USP34 (ubiquitin specific peptidase 34; minus strand). Cytogenetic location: 2p15.
Variant type: single nucleotide variant.
Coding change: c.4833-1G>C on transcript NM_014709.4 (MANE Select); the canonical splice acceptor site of the intron before coding-DNA position 4833, G replaced by C.
Molecular consequence: splice acceptor variant.
Genome position (GRCh38, 1-based): chr2:61,283,450, C>G on the plus strand (G>C on the coding strand, the complement: USP34 is on the minus strand). VCF-style: chr2-61283450-C-G. GRCh37 (hg19) VCF-style: chr2-61510585-C-G.
Identifiers: ClinVar variation 4891392 (VCV004891392.1).

ClinVar aggregate classification (germline): Uncertain significance (1 of 4 stars; one submission).

Submission:

GeneDx
Classification: Uncertain significance. Last evaluated: 2023-09-29. Review status: criteria provided, single submitter. Criteria: GeneDx Variant Classification Process June 2021. Collection method: clinical testing. Allele origin: germline.
Comment: Not observed at significant frequency in large population cohorts (gnomAD); Has not been previously published as pathogenic or benign to our knowledge; Variants in candidate genes are classified as variants of uncertain significance in accordance with ACMG guidelines (Richards et al., 2015); Canonical splice site variant in a gene for which loss-of-function is not a known mechanism of disease